The following is an entry in ClinVar:

NM_152564.5(VPS13B):c.1479C>A (p.Tyr493Ter)

Gene: VPS13B (vacuolar protein sorting 13 homolog B; plus strand). Cytogenetic location: 8q22.2.
Variant type: single nucleotide variant.
Coding change: c.1479C>A on transcript NM_152564.5 (MANE Select); coding-DNA position 1479, C replaced by A.
Protein change: p.Tyr493Ter; replaces tyrosine 493 with a stop codon.
Molecular consequence: nonsense.
Genome position (GRCh38, 1-based): chr8:99,135,649, C>A. VCF-style: chr8-99135649-C-A. GRCh37 (hg19) VCF-style: chr8-100147877-C-A.
Other names: c.1479C>A, p.Tyr493Ter (NM_015243.3, NM_017890.5); short protein forms Y493*.
Identifiers: ClinVar variation 2107674 (VCV002107674.4), dbSNP rs751986362, ClinGen allele CA4822638.

ClinVar aggregate classification (germline): Pathogenic (1 of 4 stars; one submission).

Conditions:
Cohen syndrome (COH1). Also called: Cutis verticis gyrata, retinitis pigmentosa, and sensorineural deafness; PEPPER SYNDROME. Identifiers: Orphanet 193, MedGen C0265223, MONDO:0008999, OMIM 216550.

Allele frequency attached by ClinVar (database versions not stated): gnomAD exomes below 0.00001; ExAC 0.00001.
gnomAD v4.1: 2 of 1,613,408 alleles (0.00012%); highest among the groups gnomAD compares: Non-Finnish European, 0.000085%; no homozygotes.

Submission:

Labcorp Genetics (formerly Invitae), Labcorp
Classification: Pathogenic for Cohen syndrome. Last evaluated: 2022-03-08. Review status: criteria provided, single submitter. Criteria: Invitae Variant Classification Sherloc (09022015). Collection method: clinical testing. Allele origin: germline.
Comment: For these reasons, this variant has been classified as Pathogenic. This variant has not been reported in the literature in individuals affected with VPS13B-related conditions. This variant is present in population databases (rs751986362, gnomAD 0.0009%). This sequence change creates a premature translational stop signal (p.Tyr493*) in the VPS13B gene. It is expected to result in an absent or disrupted protein product. Loss-of-function variants in VPS13B are known to be pathogenic (PMID: 15141358, 16648375, 20461111).

Literature cited by the submitters: PubMed 15141358; PubMed 16648375; PubMed 20461111.